The following is an entry in ClinVar:

ClinVar aggregate classification (germline): Benign/Likely benign. Review status: criteria provided, multiple submitters, no conflicts (2 of 4 stars). 4 submissions from 4 submitters: Benign (1); Likely benign (3). Last evaluated 2025-11-20.

Conditions:
Osteoporosis with pseudoglioma (OPPG). Also called: osteoporosis-pseudoglioma syndrome. Identifiers: Orphanet 2788, MedGen C0432252, MONDO:0009820, OMIM 259770.
Polycystic liver disease 4 with or without kidney cysts. Identifiers: MedGen C4693479, MONDO:0044327, OMIM 617875.
Worth disease. Also called: Autosomal dominant osteosclerosis, Worth type; ENDOSTEAL HYPEROSTOSIS, AUTOSOMAL DOMINANT; OSTEOSCLEROSIS, AUTOSOMAL DOMINANT. Identifiers: Orphanet 2790, MedGen C0432273, MONDO:0007764, OMIM 144750.
Autosomal dominant osteopetrosis 1 (OPTA1). Also called: OSTEOPETROSIS, AUTOSOMAL DOMINANT, TYPE I. Identifiers: Orphanet 2783, MedGen C1843330, MONDO:0011877, OMIM 607634.
Osteoporosis. Identifiers: MedGen C0029456, MONDO:0005298, OMIM 166710, HP:0000939.
Bone mineral density quantitative trait locus 1 (BMND1). Identifiers: MedGen C1866079, OMIM 601884.
Exudative vitreoretinopathy 4 (EVR4). Identifiers: Orphanet 891, MedGen C1866176, MONDO:0011151, OMIM 601813.
Exudative vitreoretinopathy 1 (EVR1). Also called: FEVR, AUTOSOMAL DOMINANT; Familial exudative vitreoretinopathy, autosomal dominant; CRISWICK-SCHEPENS SYNDROME. Identifiers: Orphanet 891, Orphanet 90050, MedGen C1851402, MONDO:0007589, OMIM 133780.
LRP5-related disorder. Also called: LRP5-related condition.

Allele frequency attached by ClinVar (database versions not stated): TOPMed 0.00005; gnomAD 0.00007 and 0.00019; gnomAD exomes 0.00018 and 0.00021; ExAC 0.00023; ESP Exome Variant Server 0.00023.
gnomAD v4.1: 293 of 1,612,958 alleles (0.018%); highest among the groups gnomAD compares: South Asian, 0.14%; no homozygotes.

Submissions (4):

Labcorp Genetics (formerly Invitae), Labcorp
Classification: Likely benign. Last evaluated: 2025-11-20. Review status: criteria provided, single submitter. Criteria: Invitae Variant Classification Sherloc (09022015). Collection method: clinical testing. Allele origin: germline.

PreventionGenetics, part of Exact Sciences
Classification: Benign for LRP5-related condition. Last evaluated: 2024-11-03. Review status: criteria provided, single submitter. Criteria: ACMG Guidelines, 2015. Collection method: clinical testing. Allele origin: germline.
Comment: This variant is classified as benign based on ACMG/AMP sequence variant interpretation guidelines (Richards et al. 2015 PMID: 25741868, with internal and published modifications).

Blueprint Genetics
Classification: Likely benign. Last evaluated: 2024-05-08. Review status: criteria provided, single submitter. Criteria: ACMG Guidelines, 2015. Collection method: clinical testing. Allele origin: germline.

Fulgent Genetics
Classification: Likely benign for Exudative vitreoretinopathy 1; Worth disease; Osteoporosis; Osteoporosis with pseudoglioma; Exudative vitreoretinopathy 4; Bone mineral density quantitative trait locus 1; Autosomal dominant osteopetrosis 1; Polycystic liver disease 4 with or without kidney cysts. Last evaluated: 2022-02-10. Review status: criteria provided, single submitter. Criteria: ACMG Guidelines, 2015. Collection method: clinical testing. Allele origin: unknown.

NM_002335.4(LRP5):c.1585-10C>T

Gene: LRP5 (LDL receptor related protein 5; plus strand). Cytogenetic location: 11q13.2.
Variant type: single nucleotide variant.
Coding change: c.1585-10C>T on transcript NM_002335.4 (MANE Select); 10 bases into the intron before coding-DNA position 1585, C replaced by T.
Molecular consequence: intron variant.
Genome position (GRCh38, 1-based): chr11:68,403,473, C>T. VCF-style: chr11-68403473-C-T. GRCh37 (hg19) VCF-style: chr11-68170941-C-T.
Other names: c.-353-10C>T (NM_001291902.2); c.1585-10C>T (NM_002335.3).
Identifiers: ClinVar variation 1566550 (VCV001566550.11), dbSNP rs200827533, ClinGen allele CA6149383.